The following is an entry in ClinVar:

NM_018089.3(ANKZF1):c.1159G>A (p.Asp387Asn)

Gene: ANKZF1 (ankyrin repeat and zinc finger peptidyl tRNA hydrolase 1; plus strand). Cytogenetic location: 2q35.
Variant type: single nucleotide variant.
Coding change: c.1159G>A on transcript NM_018089.3 (MANE Select); coding-DNA position 1159, G replaced by A.
Protein change: p.Asp387Asn; replaces aspartic acid 387 with asparagine.
Molecular consequence: missense variant.
Genome position (GRCh38, 1-based): chr2:219,234,243, G>A. VCF-style: chr2-219234243-G-A. GRCh37 (hg19) VCF-style: chr2-220098965-G-A.
Other names: c.1159G>A, p.Asp387Asn (NM_001042410.2); c.529G>A, p.Asp177Asn (NM_001282792.2); short protein forms D177N, D387N.
Identifiers: ClinVar variation 1025592 (VCV001025592.8), dbSNP rs372924586, ClinGen allele CA65971446.

ClinVar aggregate classification (germline): Uncertain significance (1 of 4 stars; one submission).

Allele frequency attached by ClinVar (database versions not stated): TOPMed below 0.00001; gnomAD 0.00001; gnomAD exomes 0.00002; ESP Exome Variant Server 0.00008.
gnomAD v4.1: 29 of 1,613,910 alleles (0.0018%); highest among the groups gnomAD compares: Non-Finnish European, 0.0024%; no homozygotes.

Submission:

Labcorp Genetics (formerly Invitae), Labcorp
Classification: Uncertain significance. Last evaluated: 2024-10-29. Review status: criteria provided, single submitter. Criteria: Invitae Variant Classification Sherloc (09022015). Collection method: clinical testing. Allele origin: germline.
Comment: This sequence change replaces aspartic acid, which is acidic and polar, with asparagine, which is neutral and polar, at codon 387 of the ANKZF1 protein (p.Asp387Asn). This variant is present in population databases (rs372924586, gnomAD 0.003%). This variant has not been reported in the literature in individuals affected with ANKZF1-related conditions. ClinVar contains an entry for this variant (Variation ID: 1025592). An algorithm developed to predict the effect of missense changes on protein structure and function outputs the following: PolyPhen-2: "Benign". The asparagine amino acid residue is found in multiple mammalian species, which suggests that this missense change does not adversely affect protein function. In summary, the available evidence is currently insufficient to determine the role of this variant in disease. Therefore, it has been classified as a Variant of Uncertain Significance.